The following is an entry in ClinVar:

NM_021008.4(DEAF1):c.1678A>G (p.Met560Val)

Gene: DEAF1 (DEAF1 transcription factor; minus strand). Cytogenetic location: 11p15.5.
Variant type: single nucleotide variant.
Coding change: c.1678A>G on transcript NM_021008.4 (MANE Select); coding-DNA position 1678, A replaced by G.
Protein change: p.Met560Val; replaces methionine 560 with valine.
Molecular consequence: missense variant.
Genome position (GRCh38, 1-based): chr11:644,570, T>C on the plus strand (A>G on the coding strand, the complement: DEAF1 is on the minus strand). VCF-style: chr11-644570-T-C. GRCh37 (hg19) VCF-style: chr11-644570-T-C.
Other names: c.1453A>G, p.Met485Val (NM_001293634.2); c.952A>G, p.Met318Val (NM_001367390.1); short protein forms M318V, M560V, M485V.
Identifiers: ClinVar variation 3664764 (VCV003664764.2).

ClinVar aggregate classification (germline): Uncertain significance (1 of 4 stars; one submission).

Submission:

Labcorp Genetics (formerly Invitae), Labcorp
Classification: Uncertain significance. Last evaluated: 2024-09-12. Review status: criteria provided, single submitter. Criteria: Invitae Variant Classification Sherloc (09022015). Collection method: clinical testing. Allele origin: germline.
Comment: This sequence change replaces methionine, which is neutral and non-polar, with valine, which is neutral and non-polar, at codon 560 of the DEAF1 protein (p.Met560Val). This variant is not present in population databases (gnomAD no frequency). This variant has not been reported in the literature in individuals affected with DEAF1-related conditions. Invitae Evidence Modeling of protein sequence and biophysical properties (such as structural, functional, and spatial information, amino acid conservation, physicochemical variation, residue mobility, and thermodynamic stability) indicates that this missense variant is not expected to disrupt DEAF1 protein function with a negative predictive value of 80%. In summary, the available evidence is currently insufficient to determine the role of this variant in disease. Therefore, it has been classified as a Variant of Uncertain Significance.